The following is an entry in ClinVar:

ClinVar aggregate classification (germline): Likely benign (1 of 4 stars; one submission).

Submission:

GeneDx
Classification: Likely benign. Last evaluated: 2019-10-19. Review status: criteria provided, single submitter. Criteria: GeneDx Variant Classification Process June 2021. Collection method: clinical testing. Allele origin: germline. Affected: yes.
Comment: See Variant Classification Assertion Criteria.

NM_033305.3(VPS13A):c.3118+41dup

Gene: VPS13A (vacuolar protein sorting 13 homolog A; plus strand). Cytogenetic location: 9q21.2.
Variant type: Duplication.
Coding change: c.3118+41dup on transcript NM_033305.3 (MANE Select); 41 bases into the intron after coding-DNA position 3118, one base duplicated (T; older notation c.3118+41dupT).
Molecular consequence: intron variant.
Genome position (GRCh38, 1-based): chr9:77,282,315, T duplicated; the last of 13 consecutive T bases (chr9:77,282,303-77,282,315); duplicating any one gives the same sequence. VCF-style (leftmost placement, unchanged base first): chr9-77282302-C-CT. GRCh37 (hg19) VCF-style: chr9-79897218-C-CT.
Other names: c.3118+41dup (NM_001018037.2, NM_015186.4, NM_001018038.3).
Identifiers: ClinVar variation 3340721 (VCV003340721.1).